The following is an entry in ClinVar:

ClinVar aggregate classification (germline): Pathogenic/Likely pathogenic. Review status: criteria provided, multiple submitters, no conflicts (2 of 4 stars). 3 submissions from 3 submitters: Pathogenic (2); Likely pathogenic (1). Last evaluated 2026-01-09.

Conditions:
LHFPL5-related disorder. Also called: LHFPL5-related condition.

Allele frequency attached by ClinVar (database versions not stated): TOPMed below 0.00001; gnomAD 0.00001.
gnomAD v4.1: 34 of 1,613,912 alleles (0.0021%); highest among the groups gnomAD compares: Non-Finnish European, 0.0028%; no homozygotes.

Submissions (3):

Labcorp Genetics (formerly Invitae), Labcorp
Classification: Pathogenic. Last evaluated: 2026-01-09. Review status: criteria provided, single submitter. Criteria: Invitae Variant Classification Sherloc (09022015). Collection method: clinical testing. Allele origin: germline.
Comment: This sequence change creates a premature translational stop signal (p.Trp132*) in the LHFPL5 gene. It is expected to result in an absent or disrupted protein product. Loss-of-function variants in LHFPL5 are known to be pathogenic (PMID: 15905332, 16459341, 21816241). This variant is present in population databases (no rsID available, gnomAD 0.003%). This variant has not been reported in the literature in individuals affected with LHFPL5-related conditions. ClinVar contains an entry for this variant (Variation ID: 1331317). For these reasons, this variant has been classified as Pathogenic.

PreventionGenetics, part of Exact Sciences
Classification: Likely pathogenic for LHFPL5-related condition. Last evaluated: 2023-08-03. Review status: criteria provided, single submitter. Criteria: ACMG Guidelines, 2015. Collection method: clinical testing. Allele origin: germline.
Comment: The LHFPL5 c.395G>A variant is predicted to result in premature protein termination (p.Trp132*). This variant has been reported in the homozygous state in a patient with profound bilateral sensorineural hearing loss, although this patient was also reported to have features not typically associated with this disorder of optic nerve hypoplasia, dystonia and dysmyelinating leukodystrophy (Supplementary Data 3, Molina-Ramírez. 2022. PubMed ID: 33879512). This variant is reported in 0.0031% of alleles in individuals of European (Non-Finnish) descent in gnomAD. Nonsense variants in LHFPL5 are expected to be pathogenic. This variant is interpreted as likely pathogenic.

GeneDx
Classification: Pathogenic. Last evaluated: 2023-04-21. Review status: criteria provided, single submitter. Criteria: GeneDx Variant Classification Process June 2021. Collection method: clinical testing. Allele origin: germline. Affected: yes.
Comment: Nonsense variant predicted to result in protein truncation or nonsense mediated decay in a gene for which loss-of-function is a known mechanism of disease; Not observed at significant frequency in large population cohorts (gnomAD); This variant is associated with the following publications: (PMID: 33879512)

Literature cited by the submitters: PubMed 15905332 (cited by Labcorp Genetics (formerly Invitae), Labcorp); PubMed 16459341 (cited by Labcorp Genetics (formerly Invitae), Labcorp); PubMed 21816241 (cited by Labcorp Genetics (formerly Invitae), Labcorp).

NM_182548.4(LHFPL5):c.395G>A (p.Trp132Ter)

Gene: LHFPL5 (LHFPL tetraspan subfamily member 5; plus strand). Cytogenetic location: 6p21.31.
Variant type: single nucleotide variant.
Coding change: c.395G>A on transcript NM_182548.4 (MANE Select); coding-DNA position 395, G replaced by A.
Protein change: p.Trp132Ter; replaces tryptophan 132 with a stop codon.
Molecular consequence: nonsense.
Genome position (GRCh38, 1-based): chr6:35,806,065, G>A. VCF-style: chr6-35806065-G-A. GRCh37 (hg19) VCF-style: chr6-35773842-G-A.
Other names: short protein forms W132*.
Identifiers: ClinVar variation 1331317 (VCV001331317.5), dbSNP rs756967336, ClinGen allele CA363785209.